The following is an entry in ClinVar:

ClinVar aggregate classification (germline): Uncertain significance (1 of 4 stars; one submission).

Allele frequency attached by ClinVar (database versions not stated): gnomAD 0.00001.
gnomAD v4.1: 1 of 1,550,086 alleles (0.000065%); highest among the groups gnomAD compares: Middle Eastern, 0.017%; no homozygotes.

Submission:

Labcorp Genetics (formerly Invitae), Labcorp
Classification: Uncertain significance. Last evaluated: 2022-07-11. Review status: criteria provided, single submitter. Criteria: Invitae Variant Classification Sherloc (09022015). Collection method: clinical testing. Allele origin: germline.
Comment: This variant is not present in population databases (gnomAD no frequency). Algorithms developed to predict the effect of missense changes on protein structure and function output the following: SIFT: "Tolerated"; PolyPhen-2: "Benign"; Align-GVGD: "Class C0". The serine amino acid residue is found in multiple mammalian species, which suggests that this missense change does not adversely affect protein function. This variant has not been reported in the literature in individuals affected with TET2-related conditions. In summary, the available evidence is currently insufficient to determine the role of this variant in disease. Therefore, it has been classified as a Variant of Uncertain Significance. This sequence change replaces proline, which is neutral and non-polar, with serine, which is neutral and polar, at codon 1528 of the TET2 protein (p.Pro1528Ser).

NM_001127208.3(TET2):c.4582C>T (p.Pro1528Ser)

Genes: TET2 (tet methylcytosine dioxygenase 2; plus strand), TET2-AS1 (TET2 antisense RNA 1; minus strand). Cytogenetic location: 4q24.
Variant type: single nucleotide variant.
Coding change: c.4582C>T on transcript NM_001127208.3 (MANE Select); coding-DNA position 4582, C replaced by T.
Protein change: p.Pro1528Ser; replaces proline 1528 with serine.
Molecular consequence: missense variant.
Genome position (GRCh38, 1-based): chr4:105,275,092, C>T. VCF-style: chr4-105275092-C-T. GRCh37 (hg19) VCF-style: chr4-106196249-C-T.
Other names: short protein forms P1528S.
Identifiers: ClinVar variation 2123529 (VCV002123529.4), dbSNP rs2110311452, ClinGen allele CA357812935.